The following is an entry in ClinVar:

ClinVar aggregate classification (germline): Uncertain significance (1 of 4 stars; one submission).

Allele frequency attached by ClinVar (database versions not stated): ExAC 0.00001; gnomAD exomes 0.00002 and 0.00004; TOPMed 0.00002.
gnomAD v4.1: 12 of 1,613,840 alleles (0.00074%); highest among the groups gnomAD compares: Admixed American, 0.02%; no homozygotes.

Submission:

Labcorp Genetics (formerly Invitae), Labcorp
Classification: Uncertain significance. Last evaluated: 2025-06-23. Review status: criteria provided, single submitter. Criteria: Invitae Variant Classification Sherloc (09022015). Collection method: clinical testing. Allele origin: germline.
Comment: This sequence change replaces leucine, which is neutral and non-polar, with serine, which is neutral and polar, at codon 1539 of the SAMD9 protein (p.Leu1539Ser). This variant is present in population databases (rs759469955, gnomAD 0.03%). This variant has not been reported in the literature in individuals affected with SAMD9-related conditions. ClinVar contains an entry for this variant (Variation ID: 1348264). Invitae Evidence Modeling of protein sequence and biophysical properties (such as structural, functional, and spatial information, amino acid conservation, physicochemical variation, residue mobility, and thermodynamic stability) indicates that this missense variant is not expected to disrupt SAMD9 protein function with a negative predictive value of 95%. In summary, the available evidence is currently insufficient to determine the role of this variant in disease. Therefore, it has been classified as a Variant of Uncertain Significance.

NM_017654.4(SAMD9):c.4616T>C (p.Leu1539Ser)

Gene: SAMD9 (sterile alpha motif domain containing 9; minus strand). Cytogenetic location: 7q21.2.
Variant type: single nucleotide variant.
Coding change: c.4616T>C on transcript NM_017654.4 (MANE Select); coding-DNA position 4616, T replaced by C.
Protein change: p.Leu1539Ser; replaces leucine 1539 with serine.
Molecular consequence: missense variant.
Genome position (GRCh38, 1-based): chr7:93,101,482, A>G on the plus strand (T>C on the coding strand, the complement: SAMD9 is on the minus strand). VCF-style: chr7-93101482-A-G. GRCh37 (hg19) VCF-style: chr7-92730795-A-G.
Other names: c.4616T>C, p.Leu1539Ser (NM_001193307.2); short protein forms L1539S.
Identifiers: ClinVar variation 1348264 (VCV001348264.7), dbSNP rs759469955, ClinGen allele CA4342523.
Genomic context (GRCh38, chr7:93,101,482, plus strand): 5'-CCTAAAAAAGCGGGAGTGATGGGTATTGTGATTTTTTCATTGATTCCATATTCTATATAT[A>G]AACAATTGTTTTCAGCTCGACCTTGTAAACGAAGCAAAAGTTCTTGGACTTTTTCCTCCT-3'
Protein context (NP_060124.2, residues 1529-1549): RLQGRAENNC[Leu1539Ser]YIEYGINEKI